The following is an entry in ClinVar:

NM_005862.3(STAG1):c.1393A>G (p.Ile465Val)

Gene: STAG1 (STAG1 cohesin complex component; minus strand). Cytogenetic location: 3q22.3.
Variant type: single nucleotide variant.
Coding change: c.1393A>G on transcript NM_005862.3 (MANE Select); coding-DNA position 1393, A replaced by G.
Protein change: p.Ile465Val; replaces isoleucine 465 with valine.
Molecular consequence: missense variant.
Genome position (GRCh38, 1-based): chr3:136,452,068, T>C on the plus strand (A>G on the coding strand, the complement: STAG1 is on the minus strand). VCF-style: chr3-136452068-T-C. GRCh37 (hg19) VCF-style: chr3-136170910-T-C.
Other names: short protein forms I465V.
Identifiers: ClinVar variation 2175891 (VCV002175891.4), dbSNP rs1471328844, ClinGen allele CA354648452.
Genomic context (GRCh38, chr3:136,452,068, plus strand): 5'-GGAATTATCTTAAAACATTTTTTACCTCACTTTCAAGAAAGAAAAGAACCAGCATCCTAA[T>C]GAGGTTTCCATTCGGGCTGTTTCTTCCCCTCCTCTTTGCTAATGCTTCTTCTGCTTGTGG-3'
Protein context (NP_005853.2, residues 455-475): RGRNSPNGNL[Ile465Val]RMLVLFFLES

ClinVar aggregate classification (germline): Uncertain significance (1 of 4 stars; one submission).

Submission:

Labcorp Genetics (formerly Invitae), Labcorp
Classification: Uncertain significance. Last evaluated: 2022-02-19. Review status: criteria provided, single submitter. Criteria: Invitae Variant Classification Sherloc (09022015). Collection method: clinical testing. Allele origin: germline.
Comment: In summary, the available evidence is currently insufficient to determine the role of this variant in disease. Therefore, it has been classified as a Variant of Uncertain Significance. Advanced modeling of protein sequence and biophysical properties (such as structural, functional, and spatial information, amino acid conservation, physicochemical variation, residue mobility, and thermodynamic stability) performed at Invitae indicates that this missense variant is not expected to disrupt STAG1 protein function. This variant has not been reported in the literature in individuals affected with STAG1-related conditions. This variant is not present in population databases (gnomAD no frequency). This sequence change replaces isoleucine, which is neutral and non-polar, with valine, which is neutral and non-polar, at codon 465 of the STAG1 protein (p.Ile465Val).